The following is an entry in ClinVar:

NM_001040151.2(SCN3B):c.205G>A (p.Gly69Ser)

Gene: SCN3B (sodium voltage-gated channel beta subunit 3; minus strand). Cytogenetic location: 11q24.1.
Variant type: single nucleotide variant.
Coding change: c.205G>A on transcript NM_001040151.2 (MANE Select); coding-DNA position 205, G replaced by A.
Protein change: p.Gly69Ser; replaces glycine 69 with serine.
Molecular consequence: missense variant.
Genome position (GRCh38, 1-based): chr11:123,645,601, C>T on the plus strand (G>A on the coding strand, the complement: SCN3B is on the minus strand). VCF-style: chr11-123645601-C-T. GRCh37 (hg19) VCF-style: chr11-123516309-C-T.
Other names: c.205G>A, p.Gly69Ser (NM_018400.4); short protein forms G69S.
Identifiers: ClinVar variation 1305211 (VCV001305211.12), dbSNP rs1020414330, ClinGen allele CA229986083.

ClinVar aggregate classification (germline): Uncertain significance. Review status: criteria provided, multiple submitters, no conflicts (2 of 4 stars). 3 submissions from 3 submitters: Uncertain significance (3). Last evaluated 2025-03-23.

Conditions:
Brugada syndrome 7 (BRGDA7). Identifiers: Orphanet 130, MedGen C2751088, MONDO:0013146, OMIM 613120.
Cardiovascular phenotype. Identifiers: MedGen CN230736.

Allele frequency attached by ClinVar (database versions not stated): gnomAD exomes below 0.00001 and 0.00001; TOPMed below 0.00001.
gnomAD v4.1: 14 of 1,614,004 alleles (0.00087%); highest among the groups gnomAD compares: Non-Finnish European, 0.001%; no homozygotes.

Submissions (3):

Ambry Genetics
Classification: Uncertain significance for Cardiovascular phenotype. Last evaluated: 2025-03-23. Review status: criteria provided, single submitter. Criteria: Ambry Variant Classification Scheme 2023. Collection method: clinical testing. Allele origin: germline.
Comment: The p.G69S variant (also known as c.205G>A), located in coding exon 2 of the SCN3B gene, results from a G to A substitution at nucleotide position 205. The glycine at codon 69 is replaced by serine, an amino acid with similar properties. This amino acid position is conserved. In addition, this alteration is predicted to be tolerated by in silico analysis. Since supporting evidence is limited at this time, the clinical significance of this alteration remains unclear.

Labcorp Genetics (formerly Invitae), Labcorp
Classification: Uncertain significance for Brugada syndrome 7. Last evaluated: 2021-07-21. Review status: criteria provided, single submitter. Criteria: Invitae Variant Classification Sherloc (09022015). Collection method: clinical testing. Allele origin: germline.
Comment: In summary, the available evidence is currently insufficient to determine the role of this variant in disease. Therefore, it has been classified as a Variant of Uncertain Significance. Algorithms developed to predict the effect of missense changes on protein structure and function are either unavailable or do not agree on the potential impact of this missense change (SIFT: "Tolerated"; PolyPhen-2: "Possibly Damaging"; Align-GVGD: "Class C0"). This variant has not been reported in the literature in individuals affected with SCN3B-related conditions. This variant is not present in population databases (ExAC no frequency). This sequence change replaces glycine with serine at codon 69 of the SCN3B protein (p.Gly69Ser). The glycine residue is highly conserved and there is a small physicochemical difference between glycine and serine.

GeneDx
Classification: Uncertain significance. Last evaluated: 2019-04-16. Review status: criteria provided, single submitter. Criteria: GeneDx Variant Classification Process June 2021. Collection method: clinical testing. Allele origin: germline. Affected: yes.
Comment: Has not been previously published as pathogenic or benign to our knowledge; Not observed at a significant frequency in large population cohorts (Lek et al., 2016); In silico analysis, which includes protein predictors and evolutionary conservation, supports that this variant does not alter protein structure/function